The following is an entry in ClinVar:

NM_001270891.2(TRAPPC6A):c.348A>G (p.Ala116=)

Gene: TRAPPC6A (trafficking protein particle complex subunit 6A; minus strand). Cytogenetic location: 19q13.32.
Variant type: single nucleotide variant.
Coding change: c.348A>G on transcript NM_001270891.2 (MANE Select); coding-DNA position 348, A replaced by G.
Protein change: p.Ala116=; no amino-acid change (alanine 116 retained).
Molecular consequence: synonymous variant. On other transcripts: missense variant (2).
Genome position (GRCh38, 1-based): chr19:45,164,170, T>C on the plus strand (A>G on the coding strand, the complement: TRAPPC6A is on the minus strand). VCF-style: chr19-45164170-T-C. GRCh37 (hg19) VCF-style: chr19-45667428-T-C.
Other names: c.322A>G, p.Thr108Ala (NM_001270892.2); c.280A>G, p.Thr94Ala (NM_001270893.2); c.390A>G, p.Ala130= (NM_024108.3); short protein forms T94A, T108A.
Identifiers: ClinVar variation 4983570 (VCV004983570.1).

ClinVar aggregate classification (germline): Likely benign (1 of 4 stars; one submission).

Conditions:
TRAPPC6A-related disorder. Also called: TRAPPC6A-related condition.

gnomAD v4.1: 1,639 of 1,606,726 alleles (0.1%); highest among the groups gnomAD compares: African/African-American, 2%; 23 homozygotes.

Submission:

PreventionGenetics, part of Exact Sciences
Classification: Likely benign for TRAPPC6A-related condition. Last evaluated: 2025-08-13. Review status: criteria provided, single submitter. Criteria: ACMG Guidelines, 2015. Collection method: clinical testing. Allele origin: germline.
Comment: This variant is classified as likely benign based on ACMG/AMP sequence variant interpretation guidelines (Richards et al. 2015 PMID: 25741868, with internal and published modifications).